The following is an entry in ClinVar:

ClinVar aggregate classification (germline): Uncertain significance. Review status: criteria provided, multiple submitters, no conflicts (2 of 4 stars). 2 submissions from 2 submitters: Uncertain significance (2). Last evaluated 2024-04-16.

Conditions:
Neuropathy, hereditary sensory and autonomic, type 2A (HSAN2A). Also called: HSAN IIA; WNK1-Related HSAN2 (HSAN2A); ACROOSTEOLYSIS, GIACCAI TYPE; ACROOSTEOLYSIS, NEUROGENIC; MORVAN DISEASE; NEUROPATHY, CONGENITAL SENSORY. Identifiers: Orphanet 970, MedGen C2752089, MONDO:0024309, OMIM 201300.
Pseudohypoaldosteronism type 2C (PHA2C). Also called: Pseudohypoaldosteronism Type IIC. Identifiers: Orphanet 757, Orphanet 88940, MedGen C1840391, MONDO:0013778, OMIM 614492.

Allele frequency attached by ClinVar (database versions not stated): gnomAD exomes below 0.00001.
gnomAD v4.1: 2 of 1,614,220 alleles (0.00012%); highest among the groups gnomAD compares: Non-Finnish European, 0.00017%; no homozygotes.

Submissions (2):

Fulgent Genetics
Classification: Uncertain significance for Neuropathy, hereditary sensory and autonomic, type 2A; Pseudohypoaldosteronism type 2C. Last evaluated: 2024-04-16. Review status: criteria provided, single submitter. Criteria: ACMG Guidelines, 2015. Collection method: clinical testing. Allele origin: germline.

Labcorp Genetics (formerly Invitae), Labcorp
Classification: Uncertain significance for Neuropathy, hereditary sensory and autonomic, type 2A; Pseudohypoaldosteronism type 2C. Last evaluated: 2022-12-07. Review status: criteria provided, single submitter. Criteria: Invitae Variant Classification Sherloc (09022015). Collection method: clinical testing. Allele origin: germline.
Comment: This variant has not been reported in the literature in individuals affected with WNK1-related conditions. This variant is not present in population databases (gnomAD no frequency). This sequence change replaces proline, which is neutral and non-polar, with serine, which is neutral and polar, at codon 1654 of the WNK1 protein (p.Pro1654Ser). Advanced modeling of protein sequence and biophysical properties (such as structural, functional, and spatial information, amino acid conservation, physicochemical variation, residue mobility, and thermodynamic stability) performed at Invitae indicates that this missense variant is not expected to disrupt WNK1 protein function. In summary, the available evidence is currently insufficient to determine the role of this variant in disease. Therefore, it has been classified as a Variant of Uncertain Significance.

NM_018979.4(WNK1):c.4204C>T (p.Pro1402Ser)

Gene: WNK1 (WNK lysine deficient protein kinase 1; plus strand). Cytogenetic location: 12p13.33.
Variant type: single nucleotide variant.
Coding change: c.4204C>T on transcript NM_018979.4 (MANE Select); coding-DNA position 4204, C replaced by T.
Protein change: p.Pro1402Ser; replaces proline 1402 with serine.
Molecular consequence: missense variant.
Genome position (GRCh38, 1-based): chr12:885,008, C>T. VCF-style: chr12-885008-C-T. GRCh37 (hg19) VCF-style: chr12-994174-C-T.
Other names: c.4984C>T, p.Pro1662Ser (NM_001184985.2); c.3463C>T, p.Pro1155Ser (NM_014823.3); c.4960C>T, p.Pro1654Ser (NM_213655.5); short protein forms P1402S, P1155S, P1662S, P1654S.
Identifiers: ClinVar variation 2926196 (VCV002926196.4), dbSNP rs2549042461, ClinGen allele CA383330773.